The following is an entry in ClinVar:

ClinVar aggregate classification (germline): Pathogenic. Review status: criteria provided, multiple submitters, no conflicts (2 of 4 stars). 3 submissions from 3 submitters: Pathogenic (3). Last evaluated 2025-03-17.

Submissions (3):

Labcorp Genetics (formerly Invitae), Labcorp
Classification: Pathogenic. Last evaluated: 2025-03-17. Review status: criteria provided, single submitter. Criteria: Invitae Variant Classification Sherloc (09022015). Collection method: clinical testing. Allele origin: germline.
Comment: This sequence change replaces valine, which is neutral and non-polar, with leucine, which is neutral and non-polar, at codon 235 of the BEST1 protein (p.Val235Leu). This variant is not present in population databases (gnomAD no frequency). This missense change has been observed in individuals with autosomal dominant Best vitelliform macular dystrophy (PMID: 11241846, 31570112, 37734845). ClinVar contains an entry for this variant (Variation ID: 870724). Invitae Evidence Modeling of protein sequence and biophysical properties (such as structural, functional, and spatial information, amino acid conservation, physicochemical variation, residue mobility, and thermodynamic stability) indicates that this missense variant is expected to disrupt BEST1 protein function with a positive predictive value of 95%. This variant disrupts the p.Val235 amino acid residue in BEST1. Other variant(s) that disrupt this residue have been observed in individuals with BEST1-related conditions (PMID: 9700209), which suggests that this may be a clinically significant amino acid residue. For these reasons, this variant has been classified as Pathogenic.

Institute of Medical Genetics and Applied Genomics, University Hospital Tübingen
Classification: Pathogenic. Last evaluated: 2021-02-01. Review status: criteria provided, single submitter. Criteria: ACMG Guidelines, 2015. Collection method: clinical testing. Allele origin: germline. Inheritance: Unknown mechanism. Affected: yes.

CeGaT Center for Human Genetics Tuebingen
Classification: Pathogenic. Last evaluated: 2018-07-01. Review status: criteria provided, single submitter. Criteria: CeGaT Center For Human Genetics Tuebingen Variant Classification Criteria Version 2. Collection method: clinical testing. Allele origin: germline. Affected: yes. Observed: 3 variant alleles.

Literature cited by the submitters: PubMed 11241846 (cited by Labcorp Genetics (formerly Invitae), Labcorp); PubMed 31570112 (cited by Labcorp Genetics (formerly Invitae), Labcorp); PubMed 37734845 (cited by Labcorp Genetics (formerly Invitae), Labcorp); PubMed 9700209 (cited by Labcorp Genetics (formerly Invitae), Labcorp).

NM_004183.4(BEST1):c.703G>T (p.Val235Leu)

Gene: BEST1 (bestrophin 1; plus strand). Cytogenetic location: 11q12.3.
Variant type: single nucleotide variant.
Coding change: c.703G>T on transcript NM_004183.4 (MANE Select); coding-DNA position 703, G replaced by T.
Protein change: p.Val235Leu; replaces valine 235 with leucine.
Molecular consequence: missense variant. On other transcripts: non-coding transcript variant (1).
Genome position (GRCh38, 1-based): chr11:61,957,453, G>T. VCF-style: chr11-61957453-G-T. GRCh37 (hg19) VCF-style: chr11-61724925-G-T.
Other names: c.523G>T, p.Val175Leu (NM_001139443.3, NM_001300786.2, NM_001300787.2); c.385G>T, p.Val129Leu (NM_001363591.3); c.703G>T, p.Val235Leu (NM_001363592.2); c.-473G>T (NM_001363593.3); short protein forms V129L, V175L, V235L.
Identifiers: ClinVar variation 870724 (VCV000870724.52), dbSNP rs281865245, ClinGen allele CA380838895.